The following is an entry in ClinVar:

ClinVar aggregate classification (germline): Uncertain significance. Review status: criteria provided, multiple submitters, no conflicts (2 of 4 stars). 3 submissions from 3 submitters: Uncertain significance (3). Last evaluated 2026-07-13.

Conditions:
Hereditary cancer-predisposing syndrome. Also called: Tumor predisposition; Hereditary Cancer Syndrome; Neoplastic Syndromes, Hereditary; Hereditary neoplastic syndrome. Identifiers: Orphanet 140162, MedGen C0027672, MeSH D009386, MONDO:0015356.
Gorlin syndrome. Also called: Basal cell nevus syndrome; Nevoid Basal Cell Carcinoma Syndrome. Identifiers: Orphanet 377, MedGen C0004779, MONDO:0007187.
Medulloblastoma (MDB). Also called: MEDULLOBLASTOMA PREDISPOSITION SYNDROME; Medulloblastoma, somatic. Identifiers: Orphanet 616, MedGen C0025149, MeSH D008527, MONDO:0007959, OMIM 155255, HP:0002885.

Allele frequency attached by ClinVar (database versions not stated): gnomAD 0.00003 and 0.00004; TOPMed 0.00006.
gnomAD v4.1: 6 of 1,613,968 alleles (0.00037%); highest among the groups gnomAD compares: African/African-American, 0.0067%; no homozygotes.

Submissions (3):

Ambry Genetics
Classification: Uncertain significance for Hereditary cancer-predisposing syndrome. Last evaluated: 2026-07-13. Review status: criteria provided, single submitter. Criteria: Ambry Variant Classification Scheme 2023. Collection method: clinical testing. Allele origin: germline.

Labcorp Genetics (formerly Invitae), Labcorp
Classification: Uncertain significance for Gorlin syndrome; Medulloblastoma. Last evaluated: 2025-12-08. Review status: criteria provided, single submitter. Criteria: Invitae Variant Classification Sherloc (09022015). Collection method: clinical testing. Allele origin: germline.
Comment: This sequence change replaces leucine, which is neutral and non-polar, with valine, which is neutral and non-polar, at codon 383 of the SUFU protein (p.Leu383Val). This variant is not present in population databases (gnomAD no frequency). This variant has not been reported in the literature in individuals affected with SUFU-related conditions. ClinVar contains an entry for this variant (Variation ID: 822255). Invitae Evidence Modeling of protein sequence and biophysical properties (such as structural, functional, and spatial information, amino acid conservation, physicochemical variation, residue mobility, and thermodynamic stability) has been performed for this missense variant. However, the output from this modeling did not meet the statistical confidence thresholds required to predict the impact of this variant on SUFU protein function. In summary, the available evidence is currently insufficient to determine the role of this variant in disease. Therefore, it has been classified as a Variant of Uncertain Significance.

GeneDx
Classification: Uncertain significance. Last evaluated: 2023-02-01. Review status: criteria provided, single submitter. Criteria: GeneDx Variant Classification Process June 2021. Collection method: clinical testing. Allele origin: germline. Affected: yes.
Comment: Not observed at significant frequency in large population cohorts (gnomAD); In silico analysis supports that this missense variant does not alter protein structure/function; Has not been previously published as pathogenic or benign to our knowledge

NM_016169.4(SUFU):c.1147C>G (p.Leu383Val)

Gene: SUFU (SUFU negative regulator of hedgehog signaling; plus strand). Cytogenetic location: 10q24.32.
Variant type: single nucleotide variant.
Coding change: c.1147C>G on transcript NM_016169.4 (MANE Select); coding-DNA position 1147, C replaced by G.
Protein change: p.Leu383Val; replaces leucine 383 with valine.
Molecular consequence: missense variant.
Genome position (GRCh38, 1-based): chr10:102,615,392, C>G. VCF-style: chr10-102615392-C-G. GRCh37 (hg19) VCF-style: chr10-104375149-C-G.
Other names: c.1147C>G, p.Leu383Val (NM_001178133.2); short protein forms L383V.
Identifiers: ClinVar variation 822255 (VCV000822255.15), dbSNP rs991500079, ClinGen allele CA212240784.
Genomic context (GRCh38, chr10:102,615,392, plus strand): 5'-ACGCGGCAGCTTGAGAGCGTACATCTGAAATTCAACCAGGAGTCCGGAGCCCTCATTCCT[C>G]TCTGCCTAAGGTGAGCGAGACAGCCCTGCCACACAGTTTACCCCACAGCACCCAGCTCAG-3'
Protein context (NP_057253.2, residues 373-393): FNQESGALIP[Leu383Val]CLRGRLLHGR